The following is an entry in ClinVar:

NM_005402.4(RALA):c.497A>G (p.Lys166Arg)

Gene: RALA (RAS like proto-oncogene A; plus strand). Cytogenetic location: 7p14.1.
Variant type: single nucleotide variant.
Coding change: c.497A>G on transcript NM_005402.4 (MANE Select); coding-DNA position 497, A replaced by G.
Protein change: p.Lys166Arg; replaces lysine 166 with arginine.
Molecular consequence: missense variant.
Genome position (GRCh38, 1-based): chr7:39,696,858, A>G. VCF-style: chr7-39696858-A-G. GRCh37 (hg19) VCF-style: chr7-39736457-A-G.
Other names: short protein forms K166R.
Identifiers: ClinVar variation 2392763 (VCV002392763.6), dbSNP rs954149915, ClinGen allele CA157681779.
Genomic context (GRCh38, chr7:39,696,858, plus strand): 5'-CTGAGCAGTGGAATGTTAACTACGTGGAAACATCTGCTAAAACACGAGCTAATGTTGACA[A>G]GGTAACACGTGACTCTTTACTACTGCATCATGTTAAAATAGGTTGGTTTGCTTTAACTTG-3'
Protein context (NP_005393.2, residues 156-176): TSAKTRANVD[Lys166Arg]VFFDLMREIR

ClinVar aggregate classification (germline): Conflicting classifications of pathogenicity. Review status: criteria provided, conflicting classifications (1 of 4 stars). 3 submissions from 3 submitters: Uncertain significance (2); Likely benign (1). Last evaluated 2024-09-19.

Conditions:
Inborn genetic diseases. Identifiers: MedGen C0950123, MeSH D030342.

Allele frequency attached by ClinVar (database versions not stated): gnomAD exomes below 0.00001; TOPMed below 0.00001.
gnomAD v4.1: 1 of 1,609,170 alleles (0.000062%); highest among the groups gnomAD compares: Non-Finnish European, 0.000085%; no homozygotes.

Submissions (3):

Labcorp Genetics (formerly Invitae), Labcorp
Classification: Likely benign. Last evaluated: 2024-09-19. Review status: criteria provided, single submitter. Criteria: Invitae Variant Classification Sherloc (09022015). Collection method: clinical testing. Allele origin: germline.

Women's Health and Genetics/Laboratory Corporation of America, LabCorp
Classification: Uncertain significance. Last evaluated: 2023-10-10. Review status: criteria provided, single submitter. Criteria: LabCorp Variant Classification Summary - May 2015. Collection method: clinical testing. Allele origin: germline.
Comment: Variant summary: RALA c.497A>G (p.Lys166Arg) results in a conservative amino acid change located in the Small GTP-binding protein domain (IPR005225) of the encoded protein sequence. Three of five in-silico tools predict a damaging effect of the variant on protein function. Several computational tools predict a significant impact on normal splicing: Three predict the variant weakens a 5' donor site. One predicts the variant abolishes a 5' splicing donor site. However, these predictions have yet to be confirmed by functional studies. The variant was absent in 243150 control chromosomes (gnomAD). The available data on variant occurrences in the general population are insufficient to allow any conclusion about variant significance. To our knowledge, no occurrence of c.497A>G in individuals affected with Hiatt-Neu Neurodevelopmental Syndrome and no experimental evidence demonstrating its impact on protein function have been reported. One submitter has cited clinical-significance assessments for this variant to ClinVar after 2014 and has classified the variant as uncertain significance. Based on the evidence outlined above, the variant was classified as uncertain significance.

Ambry Genetics
Classification: Uncertain significance for Inborn genetic diseases. Last evaluated: 2022-11-03. Review status: criteria provided, single submitter. Criteria: Ambry Variant Classification Scheme 2023. Collection method: clinical testing. Allele origin: germline.